The following is an entry in ClinVar:

ClinVar aggregate classification (germline): Likely benign. Review status: criteria provided, multiple submitters, no conflicts (2 of 4 stars). 3 submissions from 3 submitters: Likely benign (3). Last evaluated 2025-12-15.

Allele frequency attached by ClinVar (database versions not stated): TOPMed 0.00050; ExAC 0.00062; gnomAD exomes 0.00029; gnomAD 0.00039; 1000 Genomes Project 0.00040; 1000 Genomes Project 30x 0.00047.
gnomAD v4.1: 476 of 1,547,832 alleles (0.031%); highest among the groups gnomAD compares: Middle Eastern, 0.2%; 3 homozygotes.

Submissions (3):

Labcorp Genetics (formerly Invitae), Labcorp
Classification: Likely benign. Last evaluated: 2025-12-15. Review status: criteria provided, single submitter. Criteria: Invitae Variant Classification Sherloc (09022015). Collection method: clinical testing. Allele origin: germline.

Blueprint Genetics
Classification: Likely benign. Last evaluated: 2024-08-16. Review status: criteria provided, single submitter. Criteria: ACMG Guidelines, 2015. Collection method: clinical testing. Allele origin: germline.

CeGaT Center for Human Genetics Tuebingen
Classification: Likely benign. Last evaluated: 2023-10-01. Review status: criteria provided, single submitter. Criteria: CeGaT Center For Human Genetics Tuebingen Variant Classification Criteria Version 2. Collection method: clinical testing. Allele origin: germline. Affected: yes. Observed: 3 variant alleles.
Comment: APC2: BP4, BP7

NM_005883.3(APC2):c.915C>T (p.Cys305=)

Gene: APC2 (APC regulator of Wnt signaling pathway 2; plus strand). Cytogenetic location: 19p13.3.
Variant type: single nucleotide variant.
Coding change: c.915C>T on transcript NM_005883.3 (MANE Select); coding-DNA position 915, C replaced by T.
Protein change: p.Cys305=; no amino-acid change (cysteine 305 retained).
Molecular consequence: synonymous variant.
Genome position (GRCh38, 1-based): chr19:1,456,951, C>T. VCF-style: chr19-1456951-C-T. GRCh37 (hg19) VCF-style: chr19-1456950-C-T.
Other names: c.912C>T, p.Cys304= (NM_001351273.1).
Identifiers: ClinVar variation 2147696 (VCV002147696.29), dbSNP rs542130614, ClinGen allele CA9044930.
Genomic context (GRCh38, chr19:1,456,951, plus strand): 5'-GCGCGACCAGGAGGATACAGCGCGCACGCTGCTGGCCATGTCCAGCTCGCCCGAGAGCTG[C>T]GTGGCCATGCGCCGCTCGGGCTGTCTGCCTCTGCTGCTGCAAATCCTCCACGGCACCGAG-3'
Protein context (NP_005874.1, residues 295-315): LLAMSSSPES[Cys305=]VAMRRSGCLP